The following is an entry in ClinVar:

NM_001165963.4(SCN1A):c.602C>T (p.Ala201Val)

Gene: SCN1A (sodium voltage-gated channel alpha subunit 1; minus strand). Cytogenetic location: 2q24.3.
Variant type: single nucleotide variant.
Coding change: c.602C>T on transcript NM_001165963.4 (MANE Select); coding-DNA position 602, C replaced by T.
Protein change: p.Ala201Val; replaces alanine 201 with valine.
Molecular consequence: missense variant. On other transcripts: 5 prime UTR variant (1), non-coding transcript variant (1).
Genome position (GRCh38, 1-based): chr2:166,054,638, G>A on the plus strand (C>T on the coding strand, the complement: SCN1A is on the minus strand). VCF-style: chr2-166054638-G-A. GRCh37 (hg19) VCF-style: chr2-166911148-G-A.
Other names: c.602C>T, p.Ala201Val (NM_001165964.3, NM_001202435.3, NM_001353948.2 and 10 more transcripts); c.-1824C>T (NM_001353961.2); short protein forms A201V.
Identifiers: ClinVar variation 956579 (VCV000956579.10), dbSNP rs1553551312, ClinGen allele CA349075239.

ClinVar aggregate classification (germline): Likely pathogenic (1 of 4 stars; one submission).

Conditions:
Early-infantile DEE. Also called: Early infantile epileptic encephalopathy; Ohtahara syndrome; Early infantile epileptic encephalopathy with suppression bursts. Identifiers: Orphanet 1934, MedGen C0393706, MONDO:0800491.

Allele frequency attached by ClinVar (database versions not stated): gnomAD exomes below 0.00001.

Submission:

Labcorp Genetics (formerly Invitae), Labcorp
Classification: Likely pathogenic for Early-infantile DEE. Last evaluated: 2025-06-22. Review status: criteria provided, single submitter. Criteria: Invitae Variant Classification Sherloc (09022015). Collection method: clinical testing. Allele origin: germline.
Comment: This sequence change replaces alanine, which is neutral and non-polar, with valine, which is neutral and non-polar, at codon 201 of the SCN1A protein (p.Ala201Val). This variant is not present in population databases (gnomAD no frequency). This missense change has been observed in individuals with clinical features of SCN1A-related conditions (PMID: 30368457, 35074891; internal data). ClinVar contains an entry for this variant (Variation ID: 956579). An algorithm developed to predict the effect of missense changes on protein structure and function (PolyPhen-2) suggests that this variant is likely to be disruptive. This variant disrupts the p.Arg201 amino acid residue in SCN1A. Other variant(s) that disrupt this residue have been determined to be pathogenic (PMID: 28079314). This suggests that this residue is clinically significant, and that variants that disrupt this residue are likely to be disease-causing. In summary, the currently available evidence indicates that the variant is pathogenic, but additional data are needed to prove that conclusively. Therefore, this variant has been classified as Likely Pathogenic.

Literature cited by the submitters: PubMed 30368457; PubMed 35074891; PubMed 28079314.